The following is an entry in ClinVar:

ClinVar aggregate classification (germline): Pathogenic (1 of 4 stars; one submission).

Conditions:
Ataxia-telangiectasia syndrome (AT). Also called: Cerebello-oculocutaneous telangiectasia; Immunodeficiency with ataxia telangiectasia; Ataxia telangiectasia (A-T); Ataxia-telangiectasia, complementation group E; LOUIS-BAR SYNDROME; Ataxia-telangiectasia. Identifiers: Orphanet 100, MedGen C0004135, MONDO:0008840, OMIM 208900.

Submission:

Labcorp Genetics (formerly Invitae), Labcorp
Classification: Pathogenic for Ataxia-telangiectasia syndrome. Last evaluated: 2018-01-13. Review status: criteria provided, single submitter. Criteria: Invitae Variant Classification Sherloc (09022015). Collection method: clinical testing. Allele origin: germline.
Comment: Loss-of-function variants in ATM are known to be pathogenic (PMID: 23807571, 25614872). A different variant (c.4105del, also known as c.4102del in the literature) giving rise to the same protein effect observed here (p.Ser1369Glnfs*17) has been reported in an individual affected with ataxia-telangiectasia (PMID: 10817650). This variant has not been reported in the literature in individuals with ATM-related disease. This variant is not present in population databases (ExAC no frequency). This sequence change creates a premature translational stop signal (p.Ser1369Glnfs*17) in the ATM gene. It is expected to result in an absent or disrupted protein product. For these reasons, this variant has been classified as Pathogenic.

Literature cited by the submitters: PubMed 23807571; PubMed 25614872; PubMed 10817650.

NM_000051.4(ATM):c.4101del (p.Ser1369fs)

Gene: ATM (ATM serine/threonine kinase; plus strand). Cytogenetic location: 11q22.3.
Variant type: Deletion.
Coding change: c.4101del on transcript NM_000051.4 (MANE Select); coding-DNA position 4101, one base deleted (C; older notation c.4101delC).
Protein change: p.Ser1369fs; shifts the reading frame from serine 1369.
Molecular consequence: frameshift variant.
Genome position (GRCh38, 1-based): chr11:108,287,707, C deleted. VCF-style (leftmost placement, unchanged base first): chr11-108287706-AC-A. GRCh37 (hg19) VCF-style: chr11-108158433-AC-A.
Other names: c.4101delC (NM_000051.3); c.4101del, p.Ser1369fs (NM_001351834.2); short protein forms S1369fs.
Identifiers: ClinVar variation 576046 (VCV000576046.7), dbSNP rs1565453029, ClinGen allele CA891842921.